The following is an entry in ClinVar:

NM_014780.5(CUL7):c.650del (p.Ser217fs)

Gene: CUL7 (cullin 7; minus strand). Cytogenetic location: 6p21.1.
Variant type: Deletion.
Coding change: c.650del on transcript NM_014780.5 (MANE Select); coding-DNA position 650, one base deleted (G; older notation c.650delG).
Protein change: p.Ser217fs; shifts the reading frame from serine 217.
Molecular consequence: frameshift variant.
Genome position (GRCh38, 1-based): chr6:43,051,694, C deleted on the plus strand (G on the coding strand, the reverse complement: CUL7 is on the minus strand). VCF-style (leftmost placement, unchanged base first): chr6-43051693-GC-G. GRCh37 (hg19) VCF-style: chr6-43019431-GC-G.
Other names: c.746del, p.Ser249fs (NM_001168370.2, NM_001374872.1); c.650del, p.Ser217fs (NM_001374873.1, NM_001374874.1); short protein forms S217fs, S249fs.
Identifiers: ClinVar variation 1072812 (VCV001072812.7), dbSNP rs1764426188, ClinGen allele CA1624358784.

ClinVar aggregate classification (germline): Pathogenic (1 of 4 stars; one submission).

Allele frequency attached by ClinVar (database versions not stated): gnomAD exomes below 0.00001; TOPMed below 0.00001.

Submission:

Labcorp Genetics (formerly Invitae), Labcorp
Classification: Pathogenic. Last evaluated: 2025-10-13. Review status: criteria provided, single submitter. Criteria: Invitae Variant Classification Sherloc (09022015). Collection method: clinical testing. Allele origin: germline.
Comment: This sequence change creates a premature translational stop signal (p.Ser217Thrfs*6) in the CUL7 gene. It is expected to result in an absent or disrupted protein product. Loss-of-function variants in CUL7 are known to be pathogenic (PMID: 16142236, 17675530, 19225462). This variant is not present in population databases (gnomAD no frequency). This variant has not been reported in the literature in individuals affected with CUL7-related conditions. ClinVar contains an entry for this variant (Variation ID: 1072812). Algorithms developed to predict the effect of sequence changes on RNA splicing suggest that this variant may disrupt the consensus splice site. For these reasons, this variant has been classified as Pathogenic.

Literature cited by the submitters: PubMed 16142236; PubMed 17675530; PubMed 19225462.